The following is an entry in ClinVar:

NM_014918.5(CHSY1):c.209T>G (p.Leu70Arg)

Genes: CHSY1 (chondroitin sulfate synthase 1; minus strand), LOC130058068 (ATAC-STARR-seq lymphoblastoid silent region 6885; plus strand). Cytogenetic location: 15q26.3.
Variant type: single nucleotide variant.
Coding change: c.209T>G on transcript NM_014918.5 (MANE Select); coding-DNA position 209, T replaced by G.
Protein change: p.Leu70Arg; replaces leucine 70 with arginine.
Molecular consequence: missense variant.
Genome position (GRCh38, 1-based): chr15:101,251,248, A>C on the plus strand (T>G on the coding strand, the complement: CHSY1 is on the minus strand). VCF-style: chr15-101251248-A-C. GRCh37 (hg19) VCF-style: chr15-101791453-A-C.
Other names: short protein forms L70R.
Identifiers: ClinVar variation 950051 (VCV000950051.12), dbSNP rs745978128, ClinGen allele CA7762802.

ClinVar aggregate classification (germline): Uncertain significance. Review status: criteria provided, multiple submitters, no conflicts (2 of 4 stars). 2 submissions from 2 submitters: Uncertain significance (2). Last evaluated 2025-06-07.

Conditions:
Inborn genetic diseases. Identifiers: MedGen C0950123, MeSH D030342.
Temtamy preaxial brachydactyly syndrome (TPBS). Identifiers: Orphanet 363417, MedGen C1854466, MONDO:0011533, OMIM 605282.

Allele frequency attached by ClinVar (database versions not stated): ExAC 0.00008; gnomAD exomes 0.00008; gnomAD 0.00015; TOPMed 0.00015.
gnomAD v4.1: 248 of 1,454,034 alleles (0.017%); highest among the groups gnomAD compares: Non-Finnish European, 0.021%; 1 homozygote.

Submissions (2):

Ambry Genetics
Classification: Uncertain significance for Inborn genetic diseases. Last evaluated: 2025-06-07. Review status: criteria provided, single submitter. Criteria: Ambry Variant Classification Scheme 2023. Collection method: clinical testing. Allele origin: germline.

Labcorp Genetics (formerly Invitae), Labcorp
Classification: Uncertain significance for Temtamy preaxial brachydactyly syndrome. Last evaluated: 2022-04-28. Review status: criteria provided, single submitter. Criteria: Invitae Variant Classification Sherloc (09022015). Collection method: clinical testing. Allele origin: germline.
Comment: ClinVar contains an entry for this variant (Variation ID: 950051). In summary, the available evidence is currently insufficient to determine the role of this variant in disease. Therefore, it has been classified as a Variant of Uncertain Significance. Algorithms developed to predict the effect of missense changes on protein structure and function output the following: SIFT: "Tolerated"; PolyPhen-2: "Benign"; Align-GVGD: "Class C0". The arginine amino acid residue is found in multiple mammalian species, which suggests that this missense change does not adversely affect protein function. This variant has not been reported in the literature in individuals affected with CHSY1-related conditions. This variant is present in population databases (rs745978128, gnomAD 0.02%). This sequence change replaces leucine, which is neutral and non-polar, with arginine, which is basic and polar, at codon 70 of the CHSY1 protein (p.Leu70Arg).